The following is an entry in ClinVar:

ClinVar aggregate classification (germline): Uncertain significance. Review status: criteria provided, multiple submitters, no conflicts (2 of 4 stars). 2 submissions from 2 submitters: Uncertain significance (2). Last evaluated 2024-07-01.

Submissions (2):

CeGaT Center for Human Genetics Tuebingen
Classification: Uncertain significance. Last evaluated: 2024-07-01. Review status: criteria provided, single submitter. Criteria: CeGaT Center For Human Genetics Tuebingen Variant Classification Criteria Version 2. Collection method: clinical testing. Allele origin: germline. Affected: yes. Observed: 1 variant allele.
Comment: TAF1: PM2

GeneDx
Classification: Uncertain significance. Last evaluated: 2023-06-28. Review status: criteria provided, single submitter. Criteria: GeneDx Variant Classification Process June 2021. Collection method: clinical testing. Allele origin: germline. Affected: yes.
Comment: Not observed at significant frequency in large population cohorts (gnomAD); Has not been previously published as pathogenic or benign to our knowledge; In silico analysis suggests this variant may impact gene splicing. In the absence of RNA/functional studies, the actual effect of this sequence change is unknown.

NM_004606.5(TAF1):c.5388_5399+8dup

Gene: TAF1 (TATA-box binding protein associated factor 1; plus strand). Cytogenetic location: Xq13.1.
Variant type: Duplication.
Coding change: c.5388_5399+8dup on transcript NM_004606.5 (MANE Select); coding-DNA position 5388 through 8 bases into the intron after coding-DNA position 5399, 20 bases duplicated (TAGCAACATCAGGTAATCGA).
Molecular consequence: splice donor variant.
Genome position (GRCh38, 1-based): chrX:71,460,792-71,460,811, TAGCAACATCAGGTAATCGA duplicated; duplicating any 20 consecutive bases within chrX:71,460,790-71,460,811 gives the same sequence; the c. name uses the placement nearest the transcript's 3' end. VCF-style (leftmost placement, unchanged base first): chrX-71460789-G-GGATAGCAACATCAGGTAATC. GRCh37 (hg19) VCF-style: chrX-70680639-G-GGATAGCAACATCAGGTAATC.
Other names: c.5325_5336+8dup (NM_138923.4); c.5394_5405+8dup (NM_001286074.2).
Identifiers: ClinVar variation 3257087 (VCV003257087.18).